The following is an entry in ClinVar:

ClinVar aggregate classification (germline): VUS-mid (0 of 4 stars; one submission).

Conditions:
Exudative vitreoretinopathy 7. Identifiers: MedGen C4539767, MONDO:0033123, OMIM 617572.

Submission:

Centre de Biologie Pathologie Génétique, Centre Hospitalier Universitaire de Lille
Classification: VUS-mid for Exudative vitreoretinopathy 7. Last evaluated: 2023-01-01. Review status: no assertion criteria provided. Collection method: clinical testing. Allele origin: inherited. Inheritance: Autosomal dominant inheritance. Affected: yes.
Comment: PM2, PP3

NM_001904.4(CTNNB1):c.1408C>T (p.His470Tyr)

Genes: CTNNB1 (catenin beta 1; plus strand), LOC126806659 (BRD4-independent group 4 enhancer GRCh37_chr3:41274918-41276117; plus strand). Cytogenetic location: 3p22.1.
Variant type: single nucleotide variant.
Coding change: c.1408C>T on transcript NM_001904.4 (MANE Select); coding-DNA position 1408, C replaced by T.
Protein change: p.His470Tyr; replaces histidine 470 with tyrosine.
Molecular consequence: missense variant.
Genome position (GRCh38, 1-based): chr3:41,233,751, C>T. VCF-style: chr3-41233751-C-T. GRCh37 (hg19) VCF-style: chr3-41275242-C-T.
Other names: c.1408C>T, p.His470Tyr (NM_001098209.2, NM_001098210.2); c.1387C>T, p.His463Tyr (NM_001330729.2); short protein forms H463Y, H470Y.
Identifiers: ClinVar variation 975530 (VCV000975530.2), dbSNP rs2078364837, ClinGen allele CA352233416.
Genomic context (GRCh38, chr3:41,233,751, plus strand): 5'-ACTGTCCTTCGGGCTGGTGACAGGGAAGACATCACTGAGCCTGCCATCTGTGCTCTTCGT[C>T]ATCTGACCAGCCGACACCAAGAAGCAGAGATGGCCCAGAATGCAGTTCGCCTTCACTATG-3'
Protein context (NP_001895.1, residues 460-480): ITEPAICALR[His470Tyr]LTSRHQEAEM